The following is an entry in ClinVar:

NM_005502.4(ABCA1):c.3589G>A (p.Val1197Met)

Gene: ABCA1 (ATP binding cassette subfamily A member 1; minus strand). Cytogenetic location: 9q31.1.
Variant type: single nucleotide variant.
Coding change: c.3589G>A on transcript NM_005502.4 (MANE Select); coding-DNA position 3589, G replaced by A.
Protein change: p.Val1197Met; replaces valine 1197 with methionine.
Molecular consequence: missense variant.
Genome position (GRCh38, 1-based): chr9:104,816,292, C>T on the plus strand (G>A on the coding strand, the complement: ABCA1 is on the minus strand). VCF-style: chr9-104816292-C-T. GRCh37 (hg19) VCF-style: chr9-107578573-C-T.
Other names: short protein forms V1197M.
Identifiers: ClinVar variation 1504111 (VCV001504111.5), dbSNP rs2118952191, ClinGen allele CA374318230.

ClinVar aggregate classification (germline): Uncertain significance (1 of 4 stars; one submission).

Submission:

Labcorp Genetics (formerly Invitae), Labcorp
Classification: Uncertain significance. Last evaluated: 2021-09-09. Review status: criteria provided, single submitter. Criteria: Invitae Variant Classification Sherloc (09022015). Collection method: clinical testing. Allele origin: germline.
Comment: In summary, the available evidence is currently insufficient to determine the role of this variant in disease. Therefore, it has been classified as a Variant of Uncertain Significance. Algorithms developed to predict the effect of missense changes on protein structure and function are either unavailable or do not agree on the potential impact of this missense change (SIFT: "Deleterious"; PolyPhen-2: "Probably Damaging"; Align-GVGD: "Class C0"). This variant has not been reported in the literature in individuals affected with ABCA1-related conditions. This variant is not present in population databases (ExAC no frequency). This sequence change replaces valine with methionine at codon 1197 of the ABCA1 protein (p.Val1197Met). The valine residue is highly conserved and there is a small physicochemical difference between valine and methionine.